The following is an entry in ClinVar:

ClinVar aggregate classification (germline): Uncertain significance (1 of 4 stars; one submission).

gnomAD v4.1: 2 of 1,202,483 alleles (0.00017%); highest among the groups gnomAD compares: Non-Finnish European, 0.00023%; no homozygotes.

Submission:

GeneDx
Classification: Uncertain significance. Last evaluated: 2024-08-15. Review status: criteria provided, single submitter. Criteria: GeneDx Variant Classification Process June 2021. Collection method: clinical testing. Allele origin: germline. Affected: yes.
Comment: Not observed at significant frequency in large population cohorts (gnomAD); In silico analysis supports that this missense variant has a deleterious effect on protein structure/function; Has not been previously published as pathogenic or benign to our knowledge

NM_000292.3(PHKA2):c.1067A>G (p.Glu356Gly)

Gene: PHKA2 (phosphorylase kinase regulatory subunit alpha 2; minus strand). Cytogenetic location: Xp22.13.
Variant type: single nucleotide variant.
Coding change: c.1067A>G on transcript NM_000292.3 (MANE Select); coding-DNA position 1067, A replaced by G.
Protein change: p.Glu356Gly; replaces glutamic acid 356 with glycine.
Molecular consequence: missense variant.
Genome position (GRCh38, 1-based): chrX:18,936,125, T>C on the plus strand (A>G on the coding strand, the complement: PHKA2 is on the minus strand). VCF-style: chrX-18936125-T-C. GRCh37 (hg19) VCF-style: chrX-18954243-T-C.
Other names: short protein forms E356G.
Identifiers: ClinVar variation 3731260 (VCV003731260.1).